The following is an entry in ClinVar:

NM_145207.3(AFG2A):c.13A>G (p.Lys5Glu)

Gene: AFG2A (AFG2 AAA ATPase homolog A; plus strand). Cytogenetic location: 4q28.1.
Variant type: single nucleotide variant.
Coding change: c.13A>G on transcript NM_145207.3 (MANE Select); coding-DNA position 13, A replaced by G.
Protein change: p.Lys5Glu; replaces lysine 5 with glutamic acid.
Molecular consequence: missense variant.
Genome position (GRCh38, 1-based): chr4:122,923,155, A>G. VCF-style: chr4-122923155-A-G. GRCh37 (hg19) VCF-style: chr4-123844310-A-G.
Other names: c.13A>G, p.Lys5Glu (NM_001317799.2, NM_001345856.2); short protein forms K5E.
Identifiers: ClinVar variation 1004908 (VCV001004908.3), dbSNP rs1728160251, ClinGen allele CA358096908.

ClinVar aggregate classification (germline): Uncertain significance (1 of 4 stars; one submission).

Conditions:
Microcephaly-intellectual disability-sensorineural hearing loss-epilepsy-abnormal muscle tone syndrome (NEDHSB). Also called: NEURODEVELOPMENTAL DISORDER WITH HEARING LOSS, SEIZURES, AND BRAIN ABNORMALITIES. Identifiers: Orphanet 457351, MedGen C4225276, MONDO:0014698, OMIM 616577.

gnomAD v4.1: 1 of 1,614,178 alleles (0.000062%); highest among the groups gnomAD compares: Admixed American, 0.0017%; no homozygotes.

Submission:

Labcorp Genetics (formerly Invitae), Labcorp
Classification: Uncertain significance for Microcephaly-intellectual disability-sensorineural hearing loss-epilepsy-abnormal muscle tone syndrome. Last evaluated: 2022-09-13. Review status: criteria provided, single submitter. Criteria: Invitae Variant Classification Sherloc (09022015). Collection method: clinical testing. Allele origin: germline.
Comment: Advanced modeling of protein sequence and biophysical properties (such as structural, functional, and spatial information, amino acid conservation, physicochemical variation, residue mobility, and thermodynamic stability) has been performed at Invitae for this missense variant, however the output from this modeling did not meet the statistical confidence thresholds required to predict the impact of this variant on SPATA5 protein function. This sequence change replaces lysine, which is basic and polar, with glutamic acid, which is acidic and polar, at codon 5 of the SPATA5 protein (p.Lys5Glu). This variant is not present in population databases (gnomAD no frequency). This variant has not been reported in the literature in individuals affected with SPATA5-related conditions. ClinVar contains an entry for this variant (Variation ID: 1004908). In summary, the available evidence is currently insufficient to determine the role of this variant in disease. Therefore, it has been classified as a Variant of Uncertain Significance.